The following is an entry in ClinVar:

NM_024529.5(CDC73):c.828G>A (p.Val276=)

Gene: CDC73 (cell division cycle 73; plus strand). Cytogenetic location: 1q31.2.
Variant type: single nucleotide variant.
Coding change: c.828G>A on transcript NM_024529.5 (MANE Select); coding-DNA position 828, G replaced by A.
Protein change: p.Val276=; no amino-acid change (valine 276 retained).
Molecular consequence: synonymous variant.
Genome position (GRCh38, 1-based): chr1:193,147,965, G>A. VCF-style: chr1-193147965-G-A. GRCh37 (hg19) VCF-style: chr1-193117095-G-A.
Identifiers: ClinVar variation 578029 (VCV000578029.7), dbSNP rs1558287563, ClinGen allele CA422345536.

ClinVar aggregate classification (germline): Uncertain significance (1 of 4 stars; one submission).

Conditions:
Parathyroid carcinoma (PRTC). Also called: Parathyroid gland carcinoma; CDC73-Related Parathyroid Carcinoma. Identifiers: Orphanet 143, MedGen C0687150, MONDO:0012004, OMIM 608266, HP:0006780.

Submission:

Labcorp Genetics (formerly Invitae), Labcorp
Classification: Uncertain significance for Parathyroid carcinoma. Last evaluated: 2018-03-28. Review status: criteria provided, single submitter. Criteria: Invitae Variant Classification Sherloc (09022015). Collection method: clinical testing. Allele origin: germline.
Comment: In summary, the available evidence is currently insufficient to determine the role of this variant in disease. Therefore, it has been classified as a Variant of Uncertain Significance. This sequence change affects codon 276 of the CDC73 mRNA. It is a 'silent' change, meaning that it does not change the encoded amino acid sequence of the CDC73 protein. This variant also falls at the last nucleotide of exon 8 of the CDC73 coding sequence, which is part of the consensus splice site for this exon. This variant is not present in population databases (ExAC no frequency). This variant has not been reported in the literature in individuals with CDC73-related disease. Nucleotide substitutions within the consensus splice site are a relatively common cause of aberrant splicing (PMID: 17576681, 9536098). Algorithms developed to predict the effect of sequence changes on RNA splicing suggest that this variant may disrupt the consensus splice site, but this prediction has not been confirmed by published transcriptional studies.

Literature cited by the submitters: PubMed 17576681; PubMed 9536098.